The following is an entry in ClinVar:

ClinVar aggregate classification (germline): Uncertain significance (1 of 4 stars; one submission).

Conditions:
Spermatogenic failure 18. Identifiers: MedGen C4539783, MONDO:0054615, OMIM 617576.
Ciliary dyskinesia, primary, 37 (CILD37). Also called: CILIARY DYSKINESIA, PRIMARY, 37, WITH OR WITHOUT SITUS INVERSUS. Identifiers: MedGen C4539798, MONDO:0033204, OMIM 617577.

gnomAD v4.1: 15 of 1,589,598 alleles (0.00094%); highest among the groups gnomAD compares: Admixed American, 0.0018%; no homozygotes.

Submission:

Labcorp Genetics (formerly Invitae), Labcorp
Classification: Uncertain significance for Ciliary dyskinesia, primary, 37; Spermatogenic failure 18. Last evaluated: 2025-01-01. Review status: criteria provided, single submitter. Criteria: Invitae Variant Classification Sherloc (09022015). Collection method: clinical testing. Allele origin: germline.
Comment: This sequence change replaces valine, which is neutral and non-polar, with methionine, which is neutral and non-polar, at codon 501 of the DNAH1 protein (p.Val501Met). This variant is present in population databases (rs775452728, gnomAD 0.02%). This variant has not been reported in the literature in individuals affected with DNAH1-related conditions. An algorithm developed to predict the effect of missense changes on protein structure and function (PolyPhen-2) suggests that this variant is likely to be tolerated. In summary, the available evidence is currently insufficient to determine the role of this variant in disease. Therefore, it has been classified as a Variant of Uncertain Significance.

NM_015512.5(DNAH1):c.1501G>A (p.Val501Met)

Gene: DNAH1 (dynein axonemal heavy chain 1; plus strand). Cytogenetic location: 3p21.1.
Variant type: single nucleotide variant.
Coding change: c.1501G>A on transcript NM_015512.5 (MANE Select); coding-DNA position 1501, G replaced by A.
Protein change: p.Val501Met; replaces valine 501 with methionine.
Molecular consequence: missense variant.
Genome position (GRCh38, 1-based): chr3:52,345,551, G>A. VCF-style: chr3-52345551-G-A. GRCh37 (hg19) VCF-style: chr3-52379567-G-A.
Other names: short protein forms V501M.
Identifiers: ClinVar variation 3762283 (VCV003762283.2).